The following is an entry in ClinVar:

NM_138773.4(SLC25A46):c.878A>T (p.Lys293Met)

Gene: SLC25A46 (solute carrier family 25 member 46; plus strand). Cytogenetic location: 5q22.1.
Variant type: single nucleotide variant.
Coding change: c.878A>T on transcript NM_138773.4 (MANE Select); coding-DNA position 878, A replaced by T.
Protein change: p.Lys293Met; replaces lysine 293 with methionine.
Molecular consequence: missense variant. On other transcripts: non-coding transcript variant (1), intron variant (1).
Genome position (GRCh38, 1-based): chr5:110,761,403, A>T. VCF-style: chr5-110761403-A-T. GRCh37 (hg19) VCF-style: chr5-110097103-A-T.
Other names: c.605A>T, p.Lys202Met (NM_001303250.3); c.679-44A>T (NM_001303249.3); short protein forms K293M, K202M.
Identifiers: ClinVar variation 966474 (VCV000966474.10), dbSNP rs1800246681, ClinGen allele CA360696389.

ClinVar aggregate classification (germline): Uncertain significance (1 of 4 stars; one submission).

Conditions:
Neuropathy, hereditary motor and sensory, type 6B (HMSN6B). Also called: NEUROPATHY, HEREDITARY MOTOR AND SENSORY, TYPE VIB, WITH OPTIC ATROPHY; Neuropathy, hereditary motor and sensory, type VIB; HMSN VIB; CHARCOT-MARIE-TOOTH DISEASE, TYPE 6B. Identifiers: MedGen C4225302, MONDO:0014671, OMIM 616505.

Allele frequency attached by ClinVar (database versions not stated): gnomAD exomes below 0.00001.

Submission:

Labcorp Genetics (formerly Invitae), Labcorp
Classification: Uncertain significance for Neuropathy, hereditary motor and sensory, type 6B. Last evaluated: 2019-09-29. Review status: criteria provided, single submitter. Criteria: Invitae Variant Classification Sherloc (09022015). Collection method: clinical testing. Allele origin: germline.
Comment: In summary, the available evidence is currently insufficient to determine the role of this variant in disease. Therefore, it has been classified as a Variant of Uncertain Significance. Algorithms developed to predict the effect of missense changes on protein structure and function are either unavailable or do not agree on the potential impact of this missense change (SIFT: "Deleterious"; PolyPhen-2: "Possibly Damaging"; Align-GVGD: "Class C0"). This variant has not been reported in the literature in individuals with SLC25A46-related conditions. This variant is not present in population databases (ExAC no frequency). This sequence change replaces lysine with methionine at codon 293 of the SLC25A46 protein (p.Lys293Met). The lysine residue is moderately conserved and there is a moderate physicochemical difference between lysine and methionine.